The following is an entry in ClinVar:

Conditions:
Arteriohepatic dysplasia. Also called: Alagille Syndrome. Identifiers: Orphanet 52, MedGen C0085280, MeSH D016738, MONDO:0007318.

Submission:

Gilbert/Spinner Lab, Children's Hospital of Philadelphia
No classification provided (evidence only). Condition: Alagille syndrome. Review status: no classification provided. Collection method: research. Allele origin: not applicable. Functional consequence: functionally_abnormal.
ClinVar note: "not provided" was previously submitted as the classification for the variant. However, the classification appeared to be based only on an observation of functional data so it was converted to no classification on 2025-07-30.

NM_000214.3(JAG1):c.550C>A (p.Arg184Ser)

Gene: JAG1 (jagged canonical Notch ligand 1; minus strand). Cytogenetic location: 20p12.2.
Variant type: single nucleotide variant.
Coding change: c.550C>A on transcript NM_000214.3 (MANE Select); coding-DNA position 550, C replaced by A.
Protein change: p.Arg184Ser; replaces arginine 184 with serine.
Molecular consequence: missense variant.
Genome position (GRCh38, 1-based): chr20:10,658,612, G>T on the plus strand (C>A on the coding strand, the complement: JAG1 is on the minus strand). VCF-style: chr20-10658612-G-T. GRCh37 (hg19) VCF-style: chr20-10639260-G-T.
Other names: short protein forms R184S.
Identifiers: ClinVar variation 3573060 (VCV003573060.2).